The following is an entry in ClinVar:

ClinVar aggregate classification (germline): Uncertain significance (1 of 4 stars; one submission).

Allele frequency attached by ClinVar (database versions not stated): gnomAD exomes 0.00002.
gnomAD v4.1: 22 of 1,409,952 alleles (0.0016%); highest among the groups gnomAD compares: Non-Finnish European, 0.0018%; no homozygotes.

Submission:

Labcorp Genetics (formerly Invitae), Labcorp
Classification: Uncertain significance. Last evaluated: 2022-07-12. Review status: criteria provided, single submitter. Criteria: Invitae Variant Classification Sherloc (09022015). Collection method: clinical testing. Allele origin: germline.
Comment: This sequence change replaces arginine, which is basic and polar, with lysine, which is basic and polar, at codon 44 of the CPAMD8 protein (p.Arg44Lys). This variant is not present in population databases (gnomAD no frequency). This variant has not been reported in the literature in individuals affected with CPAMD8-related conditions. ClinVar contains an entry for this variant (Variation ID: 1415621). Algorithms developed to predict the effect of missense changes on protein structure and function are either unavailable or do not agree on the potential impact of this missense change (SIFT: "Tolerated"; PolyPhen-2: "Possibly Damaging"; Align-GVGD: "Class C0"). In summary, the available evidence is currently insufficient to determine the role of this variant in disease. Therefore, it has been classified as a Variant of Uncertain Significance.

NM_015692.5(CPAMD8):c.-11G>A

Gene: CPAMD8 (C3 and PZP like alpha-2-macroglobulin domain containing 8; minus strand). Cytogenetic location: 19p13.11.
Variant type: single nucleotide variant.
Coding change: c.-11G>A on transcript NM_015692.5 (MANE Select); 11 bases upstream of the start codon, G replaced by A.
Molecular consequence: 5 prime UTR variant. On other transcripts: non-coding transcript variant (1).
Genome position (GRCh38, 1-based): chr19:17,026,653, C>T on the plus strand (G>A on the coding strand, the complement: CPAMD8 is on the minus strand). VCF-style: chr19-17026653-C-T. GRCh37 (hg19) VCF-style: chr19-17137463-C-T.
Identifiers: ClinVar variation 1415621 (VCV001415621.6), dbSNP rs1238809223, ClinGen allele CA404664072.
Genomic context (GRCh38, chr19:17,026,653, plus strand): 5'-AGCAGCAGGAGCAGGAGCGGGAGCAACGGCCAGAGCAGGGCGCCGCTCATTTTTCGGCTC[C>T]TGGGGGGCGCCGCGCCTGGGGAGGGGGCCGGGCCAGGGCTGGGCCAGGGCCAGGGTCCGA-3'